The following is an entry in ClinVar:

NM_001165963.4(SCN1A):c.4498A>G (p.Met1500Val)

Genes: SCN1A (sodium voltage-gated channel alpha subunit 1; minus strand), LOC102724058 (uncharacterized LOC102724058; plus strand). Cytogenetic location: 2q24.3.
Variant type: single nucleotide variant.
Coding change: c.4498A>G on transcript NM_001165963.4 (MANE Select); coding-DNA position 4498, A replaced by G.
Protein change: p.Met1500Val; replaces methionine 1500 with valine.
Molecular consequence: missense variant. On other transcripts: non-coding transcript variant (1).
Genome position (GRCh38, 1-based): chr2:165,996,096, T>C on the plus strand (A>G on the coding strand, the complement: SCN1A is on the minus strand). VCF-style: chr2-165996096-T-C. GRCh37 (hg19) VCF-style: chr2-166852606-T-C.
Other names: c.4414A>G, p.Met1472Val (NM_001165964.3, NM_001353957.2, NM_001353958.2); c.4498A>G, p.Met1500Val (NM_001202435.3, NM_001353948.2); c.4465A>G, p.Met1489Val (NM_001353949.2, NM_001353950.2, NM_001353951.2 and 2 more transcripts); c.4462A>G, p.Met1488Val (NM_001353954.2, NM_001353955.2); c.4411A>G, p.Met1471Val (NM_001353960.2); c.2056A>G, p.Met686Val (NM_001353961.2); short protein forms M1471V, M1472V, M1488V, M1489V, M1500V, M686V.
Identifiers: ClinVar variation 3067158 (VCV003067158.4), dbSNP rs376885324, ClinGen allele CA59766337.

ClinVar aggregate classification (germline): Uncertain significance (1 of 4 stars; one submission).

Conditions:
Early-infantile DEE. Also called: Early infantile epileptic encephalopathy; Ohtahara syndrome; Early infantile epileptic encephalopathy with suppression bursts. Identifiers: Orphanet 1934, MedGen C0393706, MONDO:0800491.

Allele frequency attached by ClinVar (database versions not stated): gnomAD exomes below 0.00001; ESP Exome Variant Server 0.00008.

Submissions (2):

Labcorp Genetics (formerly Invitae), Labcorp
Classification: Uncertain significance for Early-infantile DEE. Last evaluated: 2024-09-27. Review status: criteria provided, single submitter. Criteria: Invitae Variant Classification Sherloc (09022015). Collection method: clinical testing. Allele origin: germline.
Comment: This sequence change replaces methionine, which is neutral and non-polar, with valine, which is neutral and non-polar, at codon 1500 of the SCN1A protein (p.Met1500Val). This variant is not present in population databases (gnomAD no frequency). This missense change has been observed in individual(s) with familial hemiplegic migraine (PMID: 26747084). Invitae Evidence Modeling of protein sequence and biophysical properties (such as structural, functional, and spatial information, amino acid conservation, physicochemical variation, residue mobility, and thermodynamic stability) indicates that this missense variant is expected to disrupt SCN1A protein function with a positive predictive value of 95%. Experimental studies have shown that this missense change affects SCN1A function (PMID: 31730442). In summary, the available evidence is currently insufficient to determine the role of this variant in disease. Therefore, it has been classified as a Variant of Uncertain Significance.

Channelopathy-Associated Epilepsy Research Center
No classification provided (evidence only). Condition: Severe myoclonic epilepsy in infancy. Review status: no classification provided. Collection method: literature only. Allele origin: not applicable. Functional consequence: Normal peak current, Severe hyperpolarizing shift of voltage dependence of activation, Severe depolarizing shift of voltage dependence of fast inactivation, Acceleration of recovery from fast inactivation, Normal voltage dependence of slow inactivation, Normal rate of slow inactivation, Normal recovery from slow inactivation, Overall gain-of-function effect with respect to biophysical channel activity. Not counted in ClinVar's aggregate classification.
ClinVar note: "not provided" was previously submitted as the classification for the variant. However, the classification appeared to be based only on an observation of functional data so it was converted to no classification on 2025-07-30.

Literature cited by the submitters: PubMed 26747084 (cited by Labcorp Genetics (formerly Invitae), Labcorp); PubMed 31730442 (cited by Labcorp Genetics (formerly Invitae), Labcorp and Channelopathy-Associated Epilepsy Research Center).